The following is an entry in ClinVar:

NM_000687.4(AHCY):c.875A>G (p.Asp292Gly)

Gene: AHCY (adenosylhomocysteinase; minus strand). Cytogenetic location: 20q11.22.
Variant type: single nucleotide variant.
Coding change: c.875A>G on transcript NM_000687.4 (MANE Select); coding-DNA position 875, A replaced by G.
Protein change: p.Asp292Gly; replaces aspartic acid 292 with glycine.
Molecular consequence: missense variant.
Genome position (GRCh38, 1-based): chr20:34,290,429, T>C on the plus strand (A>G on the coding strand, the complement: AHCY is on the minus strand). VCF-style: chr20-34290429-T-C. GRCh37 (hg19) VCF-style: chr20-32878235-T-C.
Other names: c.791A>G, p.Asp264Gly (NM_001161766.2, NM_001322084.2, NM_001322085.2); c.881A>G, p.Asp294Gly (NM_001322086.2); c.875A>G, p.Asp292Gly (NM_001362750.2); short protein forms D294G, D264G, D292G.
Identifiers: ClinVar variation 1438736 (VCV001438736.5), dbSNP rs1234006772, ClinGen allele CA408656883.

ClinVar aggregate classification (germline): Uncertain significance (1 of 4 stars; one submission).

Conditions:
Hypermethioninemia with deficiency of S-adenosylhomocysteine hydrolase. Identifiers: Orphanet 88618, MedGen C3151058, MONDO:0013404, OMIM 613752.

Allele frequency attached by ClinVar (database versions not stated): TOPMed below 0.00001; gnomAD 0.00001.
gnomAD v4.1: 3 of 1,614,100 alleles (0.00019%); highest among the groups gnomAD compares: Admixed American, 0.005%; no homozygotes.

Submission:

Labcorp Genetics (formerly Invitae), Labcorp
Classification: Uncertain significance for Hypermethioninemia with deficiency of S-adenosylhomocysteine hydrolase. Last evaluated: 2022-04-14. Review status: criteria provided, single submitter. Criteria: Invitae Variant Classification Sherloc (09022015). Collection method: clinical testing. Allele origin: germline.
Comment: This sequence change replaces aspartic acid, which is acidic and polar, with glycine, which is neutral and non-polar, at codon 292 of the AHCY protein (p.Asp292Gly). This variant is present in population databases (no rsID available, gnomAD 0.006%). This variant has not been reported in the literature in individuals affected with AHCY-related conditions. Algorithms developed to predict the effect of missense changes on protein structure and function are either unavailable or do not agree on the potential impact of this missense change (SIFT: "Not Available"; PolyPhen-2: "Benign"; Align-GVGD: "Not Available"). In summary, the available evidence is currently insufficient to determine the role of this variant in disease. Therefore, it has been classified as a Variant of Uncertain Significance.